The following is an entry in ClinVar:

NM_021969.3(NR0B2):c.54C>T (p.Pro18=)

Genes: NR0B2 (nuclear receptor subfamily 0 group B member 2; minus strand), NUDC (nuclear distribution C, dynein complex regulator; plus strand). Cytogenetic location: 1p36.11.
Variant type: single nucleotide variant.
Coding change: c.54C>T on transcript NM_021969.3 (MANE Select); coding-DNA position 54, C replaced by T.
Protein change: p.Pro18=; no amino-acid change (proline 18 retained).
Molecular consequence: synonymous variant.
Genome position (GRCh38, 1-based): chr1:26,913,887, G>A on the plus strand (C>T on the coding strand, the complement: NR0B2 is on the minus strand). VCF-style: chr1-26913887-G-A. GRCh37 (hg19) VCF-style: chr1-27240378-G-A.
Identifiers: ClinVar variation 3034559 (VCV003034559.3), dbSNP rs780830830, ClinGen allele CA709741.

ClinVar aggregate classification (germline): Likely benign. Review status: criteria provided, single submitter (1 of 4 stars). 2 submissions from 2 submitters: Likely benign (1). 1 of the submissions does not count toward it. Last evaluated 2021-07-29.

Conditions:
NR0B2-related disorder. Also called: NR0B2-related condition.

Allele frequency attached by ClinVar (database versions not stated): ExAC 0.00003.
gnomAD v4.1: 13 of 1,487,868 alleles (0.00087%); highest among the groups gnomAD compares: Admixed American, 0.007%; no homozygotes.

Submissions (2):

Blueprint Genetics
Classification: Likely benign. Last evaluated: 2021-07-29. Review status: criteria provided, single submitter. Criteria: ACMG Guidelines, 2015. Collection method: clinical testing. Allele origin: germline.

PreventionGenetics, part of Exact Sciences
Classification: Likely benign for NR0B2-related condition. Last evaluated: 2022-03-17. Review status: no assertion criteria provided. Collection method: clinical testing. Allele origin: germline. Not counted in ClinVar's aggregate classification.
Comment: This variant is classified as likely benign based on ACMG/AMP sequence variant interpretation guidelines (Richards et al. 2015 PMID: 25741868, with internal and published modifications).